The following is an entry in ClinVar:

ClinVar aggregate classification (germline): Conflicting classifications of pathogenicity. Review status: criteria provided, conflicting classifications (1 of 4 stars). 2 submissions from 2 submitters: Uncertain significance (1); Likely benign (1). Last evaluated 2024-12-02.

Conditions:
Mowat-Wilson syndrome (MOWS). Also called: Classic Mowat-Wilson Syndrome. Identifiers: Orphanet 2152, MedGen C1856113, MONDO:0009341, OMIM 235730.

Allele frequency attached by ClinVar (database versions not stated): gnomAD exomes below 0.00001 and 0.00001; ExAC 0.00001; TOPMed 0.00002.
gnomAD v4.1: 6 of 1,613,832 alleles (0.00037%); highest among the groups gnomAD compares: Admixed American, 0.0017%; no homozygotes.

Submissions (2):

Labcorp Genetics (formerly Invitae), Labcorp
Classification: Uncertain significance for Mowat-Wilson syndrome. Last evaluated: 2024-12-02. Review status: criteria provided, single submitter. Criteria: Invitae Variant Classification Sherloc (09022015). Collection method: clinical testing. Allele origin: germline.
Comment: This sequence change replaces aspartic acid, which is acidic and polar, with glycine, which is neutral and non-polar, at codon 86 of the ZEB2 protein (p.Asp86Gly). This variant is present in population databases (rs770528613, gnomAD 0.003%). This variant has not been reported in the literature in individuals affected with ZEB2-related conditions. ClinVar contains an entry for this variant (Variation ID: 682238). An algorithm developed to predict the effect of missense changes on protein structure and function (PolyPhen-2) suggests that this variant is likely to be disruptive. In summary, the available evidence is currently insufficient to determine the role of this variant in disease. Therefore, it has been classified as a Variant of Uncertain Significance.

GeneDx
Classification: Likely benign. Last evaluated: 2018-04-23. Review status: criteria provided, single submitter. Criteria: GeneDx Variant Classification (06012015). Collection method: clinical testing. Allele origin: germline. Affected: yes.
Comment: This variant is considered likely benign or benign based on one or more of the following criteria: it is a conservative change, it occurs at a poorly conserved position in the protein, it is predicted to be benign by multiple in silico algorithms, and/or has population frequency not consistent with disease.

NM_014795.4(ZEB2):c.257A>G (p.Asp86Gly)

Gene: ZEB2 (zinc finger E-box binding homeobox 2; minus strand). Cytogenetic location: 2q22.3.
Variant type: single nucleotide variant.
Coding change: c.257A>G on transcript NM_014795.4 (MANE Select); coding-DNA position 257, A replaced by G.
Protein change: p.Asp86Gly; replaces aspartic acid 86 with glycine.
Molecular consequence: missense variant.
Genome position (GRCh38, 1-based): chr2:144,429,843, T>C on the plus strand (A>G on the coding strand, the complement: ZEB2 is on the minus strand). VCF-style: chr2-144429843-T-C. GRCh37 (hg19) VCF-style: chr2-145187410-T-C.
Other names: c.257A>G, p.Asp86Gly (NM_001171653.2); short protein forms D86G.
Identifiers: ClinVar variation 682238 (VCV000682238.6), dbSNP rs770528613, ClinGen allele CA1898580.